The following is an entry in ClinVar:

ClinVar aggregate classification (germline): Uncertain significance (1 of 4 stars; one submission).

Conditions:
Cardiomyopathy (CMYO). Also called: Cardiomyopathies. Identifiers: Orphanet 167848, MedGen C0878544, MONDO:0004994, HP:0001638. Inheritance: Various modes of inheritance.

Submission:

Color Diagnostics, LLC DBA Color Health
Classification: Uncertain significance for Cardiomyopathy. Last evaluated: 2019-07-28. Review status: criteria provided, single submitter. Criteria: ACMG Guidelines, 2015. Collection method: clinical testing. Allele origin: germline.
Comment: This variant is located in the 5' untranslated region of the PKP2 gene. To our knowledge, functional assays have not been performed for this variant nor has this variant been reported in individuals affected with cardiovascular disorders in the literature. This variant has not been identified in the general population by the Genome Aggregation Database (gnomAD). Available evidence is insufficient to determine the role of this variant in disease conclusively. Therefore, this variant is classified as a Variant of Uncertain Significance.

NM_001005242.3(PKP2):c.-15G>A

Gene: PKP2 (plakophilin 2; minus strand). Cytogenetic location: 12p11.21.
Variant type: single nucleotide variant.
Coding change: c.-15G>A on transcript NM_001005242.3 (MANE Select); 15 bases upstream of the start codon, G replaced by A.
Molecular consequence: 5 prime UTR variant.
Genome position (GRCh38, 1-based): chr12:32,896,746, C>T on the plus strand (G>A on the coding strand, the complement: PKP2 is on the minus strand). VCF-style: chr12-32896746-C-T. GRCh37 (hg19) VCF-style: chr12-33049680-C-T.
Other names: c.-15G>A (NM_004572.4).
Identifiers: ClinVar variation 918857 (VCV000918857.3), dbSNP rs886049325, ClinGen allele CA1139662566.